The following continues an entry in ClinVar:

NM_001267550.2(TTN):c.47723G>A (p.Arg15908His)

ClinVar aggregate classification (germline): Benign/Likely benign. Benign (17); Likely benign (7).

Submissions 21 to 31 of 31:

Laboratory for Molecular Medicine, Mass General Brigham Personalized Medicine
Classification: Benign. Last evaluated: 2015-01-26. Review status: criteria provided, single submitter. Criteria: LMM Criteria. Collection method: clinical testing. Allele origin: germline. Observed: 35 variant alleles.
Comment: p.Arg13340His in exon 203 of TTN: This variant is not expected to have clinical significance because it has been identified in 1.5% (444/30398) of European chro mosomes by the Exome Aggregation Consortium (ExAC, g; dbSNP rs72677237).

Ambry Genetics
Classification: Benign for Cardiovascular phenotype. Last evaluated: 2013-10-24. Review status: criteria provided, single submitter. Criteria: Ambry Autosomal Dominant and X-Linked criteria (10/2015). Collection method: clinical testing. Allele origin: germline. Observed: 1 variant allele.

Biesecker Lab/Clinical Genomics Section, National Institutes of Health
Classification: Benign. Last evaluated: 2013-06-24. Review status: criteria provided, single submitter. Criteria: Ng et al. (Circ Cardiovasc Genet. 2013). Collection method: research. Allele origin: unknown. Observed: 15 variant alleles. Study: ClinSeq.
Comment: The study set was not selected for affection status in relation to any cancer. Pathogenicity categories were based on literature curation. See Pubmed ID:23861362 for details.

Medical sequencing

Breakthrough Genomics
Classification: Likely benign. Review status: criteria provided, single submitter. Criteria: ACMG Guidelines, 2015. Collection method: not provided. Allele origin: germline. Inheritance: Autosomal recessive inheritance. Affected: yes.

PreventionGenetics, part of Exact Sciences
Classification: Benign for TTN-related condition. Last evaluated: 2019-05-02. Review status: no assertion criteria provided. Collection method: clinical testing. Allele origin: germline. Not counted in ClinVar's aggregate classification.
Comment: This variant is classified as benign based on ACMG/AMP sequence variant interpretation guidelines (Richards et al. 2015 PMID: 25741868, with internal and published modifications).

Clinical Genetics DNA and cytogenetics Diagnostics Lab, Erasmus MC, Erasmus Medical Center
Classification: Benign. Review status: no assertion criteria provided. Collection method: clinical testing. Allele origin: germline. Affected: yes. Study: VKGL Data-share Consensus. Not counted in ClinVar's aggregate classification.

Clinical Genetics, Academic Medical Center
Classification: Benign. Review status: no assertion criteria provided. Collection method: clinical testing. Allele origin: germline. Affected: yes. Study: VKGL Data-share Consensus. Not counted in ClinVar's aggregate classification.

Diagnostic Laboratory, Department of Genetics, University Medical Center Groningen
Classification: Likely benign. Review status: no assertion criteria provided. Collection method: clinical testing. Allele origin: germline. Affected: yes. Study: VKGL Data-share Consensus. Not counted in ClinVar's aggregate classification.

Genome Diagnostics Laboratory, University Medical Center Utrecht
Classification: Benign. Review status: no assertion criteria provided. Collection method: clinical testing. Allele origin: germline. Affected: yes. Study: VKGL Data-share Consensus. Not counted in ClinVar's aggregate classification.

Joint Genome Diagnostic Labs from Nijmegen and Maastricht, Radboudumc and MUMC+
Classification: Benign. Review status: no assertion criteria provided. Collection method: clinical testing. Allele origin: germline. Affected: yes. Study: VKGL Data-share Consensus. Not counted in ClinVar's aggregate classification.

Laboratory of Diagnostic Genome Analysis, Leiden University Medical Center (LUMC)
Classification: Likely benign. Review status: no assertion criteria provided. Collection method: clinical testing. Allele origin: germline. Affected: yes. Study: VKGL Data-share Consensus. Not counted in ClinVar's aggregate classification.